The following is an entry in ClinVar:

NM_177438.3(DICER1):c.1164A>T (p.Lys388Asn)

Gene: DICER1 (dicer 1, ribonuclease III; minus strand). Cytogenetic location: 14q32.13.
Variant type: single nucleotide variant.
Coding change: c.1164A>T on transcript NM_177438.3 (MANE Select); coding-DNA position 1164, A replaced by T.
Protein change: p.Lys388Asn; replaces lysine 388 with asparagine.
Molecular consequence: missense variant. On other transcripts: 5 prime UTR variant (1), non-coding transcript variant (6).
Genome position (GRCh38, 1-based): chr14:95,124,408, T>A on the plus strand (A>T on the coding strand, the complement: DICER1 is on the minus strand). VCF-style: chr14-95124408-T-A. GRCh37 (hg19) VCF-style: chr14-95590745-T-A.
Other names: c.1164A>T, p.Lys388Asn (NM_001195573.1, NM_001271282.3, NM_001291628.2 and 14 more transcripts); c.882A>T, p.Lys294Asn (NM_001395686.1); c.759A>T, p.Lys253Asn (NM_001395687.1, NM_001395688.1, NM_001395689.1 and 3 more transcripts); c.597A>T, p.Lys199Asn (NM_001395691.1); c.-405A>T (NM_001395697.1); short protein forms K253N, K199N, K294N, K388N.
Identifiers: ClinVar variation 3501922 (VCV003501922.1).

ClinVar aggregate classification (germline): Uncertain significance (1 of 4 stars; one submission).

Conditions:
Hereditary cancer-predisposing syndrome. Also called: Tumor predisposition; Neoplastic Syndromes, Hereditary; Hereditary Cancer Syndrome; Hereditary neoplastic syndrome. Identifiers: Orphanet 140162, MedGen C0027672, MeSH D009386, MONDO:0015356.

Submission:

Ambry Genetics
Classification: Uncertain significance for Hereditary cancer-predisposing syndrome. Last evaluated: 2024-10-13. Review status: criteria provided, single submitter. Criteria: Ambry Variant Classification Scheme 2023. Collection method: clinical testing. Allele origin: germline.
Comment: The p.K388N variant (also known as c.1164A>T), located in coding exon 7 of the DICER1 gene, results from an A to T substitution at nucleotide position 1164. The lysine at codon 388 is replaced by asparagine, an amino acid with similar properties. This amino acid position is conserved. In addition, this alteration is predicted to be tolerated by in silico analysis. Based on the available evidence, the clinical significance of this variant remains unclear.